The following is an entry in ClinVar:

NM_004525.3(LRP2):c.5048T>C (p.Ile1683Thr)

Gene: LRP2 (LDL receptor related protein 2; minus strand). Cytogenetic location: 2q31.1.
Variant type: single nucleotide variant.
Coding change: c.5048T>C on transcript NM_004525.3 (MANE Select); coding-DNA position 5048, T replaced by C.
Protein change: p.Ile1683Thr; replaces isoleucine 1683 with threonine.
Molecular consequence: missense variant.
Genome position (GRCh38, 1-based): chr2:169,233,461, A>G on the plus strand (T>C on the coding strand, the complement: LRP2 is on the minus strand). VCF-style: chr2-169233461-A-G. GRCh37 (hg19) VCF-style: chr2-170089971-A-G.
Other names: c.5048T>C (NM_004525.2); short protein forms I1683T.
Identifiers: ClinVar variation 1389628 (VCV001389628.8), dbSNP rs757999644, ClinGen allele CA1954639.

ClinVar aggregate classification (germline): Uncertain significance. Review status: criteria provided, multiple submitters, no conflicts (2 of 4 stars). 4 submissions from 4 submitters: Uncertain significance (4). Last evaluated 2026-01-17.

Conditions:
LRP2-related disorder. Also called: LRP2-related condition.
Inborn genetic diseases. Identifiers: MedGen C0950123, MeSH D030342.
Donnai-Barrow syndrome. Also called: DBS/FOAR SYNDROME; FACIOOCULOACOUSTICORENAL SYNDROME. Identifiers: Orphanet 2143, MedGen C1857277, MONDO:0009104, OMIM 222448.

Allele frequency attached by ClinVar (database versions not stated): gnomAD 0.00001; TOPMed 0.00002; gnomAD exomes 0.00003 and 0.00005; ExAC 0.00004.
gnomAD v4.1: 76 of 1,614,082 alleles (0.0047%); highest among the groups gnomAD compares: Non-Finnish European, 0.0062%; no homozygotes.

Submissions (4):

Labcorp Genetics (formerly Invitae), Labcorp
Classification: Uncertain significance. Last evaluated: 2026-01-17. Review status: criteria provided, single submitter. Criteria: Invitae Variant Classification Sherloc (09022015). Collection method: clinical testing. Allele origin: germline.
Comment: This sequence change replaces isoleucine, which is neutral and non-polar, with threonine, which is neutral and polar, at codon 1683 of the LRP2 protein (p.Ile1683Thr). This variant is present in population databases (rs757999644, gnomAD 0.007%). This variant has not been reported in the literature in individuals affected with LRP2-related conditions. ClinVar contains an entry for this variant (Variation ID: 1389628). An algorithm developed to predict the effect of missense changes on protein structure and function (PolyPhen-2) suggests that this variant is likely to be tolerated. In summary, the available evidence is currently insufficient to determine the role of this variant in disease. Therefore, it has been classified as a Variant of Uncertain Significance.

Fulgent Genetics
Classification: Uncertain significance for Donnai-Barrow syndrome. Last evaluated: 2024-04-13. Review status: criteria provided, single submitter. Criteria: ACMG Guidelines, 2015. Collection method: clinical testing. Allele origin: germline.

Ambry Genetics
Classification: Uncertain significance for Inborn genetic diseases. Last evaluated: 2024-03-18. Review status: criteria provided, single submitter. Criteria: Ambry Variant Classification Scheme 2023. Collection method: clinical testing. Allele origin: germline.

PreventionGenetics, part of Exact Sciences
Classification: Uncertain significance for LRP2-related condition. Last evaluated: 2022-09-26. Review status: criteria provided, single submitter. Criteria: ACMG Guidelines, 2015. Collection method: clinical testing. Allele origin: germline.
Comment: The LRP2 c.5048T>C variant is predicted to result in the amino acid substitution p.Ile1683Thr. To our knowledge, this variant has not been reported in the literature. This variant is reported in 0.0062% of alleles in individuals of European (Non-Finnish) descent in gnomAD. At this time, the clinical significance of this variant is uncertain due to the absence of conclusive functional and genetic evidence.